The following is an entry in ClinVar:

ClinVar aggregate classification (germline): Conflicting classifications of pathogenicity. Review status: criteria provided, conflicting classifications (1 of 4 stars). 2 submissions from 2 submitters: Uncertain significance (1); Likely benign (1). Last evaluated 2025-11-06.

Conditions:
Inborn genetic diseases. Identifiers: MedGen C0950123, MeSH D030342.
T-cell immunodeficiency, congenital alopecia, and nail dystrophy. Also called: Congenital alopecia and nail dystrophy associated with severe functional T-cell immunodeficiency; Pignata Guarino syndrome. Identifiers: Orphanet 169095, MedGen C1866426, MONDO:0011132, OMIM 601705.

Allele frequency attached by ClinVar (database versions not stated): gnomAD exomes 0.00001; TOPMed 0.00002; ExAC 0.00003.

Submissions (2):

Labcorp Genetics (formerly Invitae), Labcorp
Classification: Uncertain significance for T-cell immunodeficiency, congenital alopecia, and nail dystrophy. Last evaluated: 2025-11-06. Review status: criteria provided, single submitter. Criteria: Invitae Variant Classification Sherloc (09022015). Collection method: clinical testing. Allele origin: germline.
Comment: This sequence change replaces valine, which is neutral and non-polar, with methionine, which is neutral and non-polar, at codon 645 of the FOXN1 protein (p.Val645Met). This variant is present in population databases (rs747825809, gnomAD 0.009%). This variant has not been reported in the literature in individuals affected with FOXN1-related conditions. ClinVar contains an entry for this variant (Variation ID: 1356106). Invitae Evidence Modeling of protein sequence and biophysical properties (such as structural, functional, and spatial information, amino acid conservation, physicochemical variation, residue mobility, and thermodynamic stability) indicates that this missense variant is not expected to disrupt FOXN1 protein function with a negative predictive value of 80%. In summary, the available evidence is currently insufficient to determine the role of this variant in disease. Therefore, it has been classified as a Variant of Uncertain Significance.

Ambry Genetics
Classification: Likely benign for Inborn genetic diseases. Last evaluated: 2024-06-22. Review status: criteria provided, single submitter. Criteria: Ambry Variant Classification Scheme 2023. Collection method: clinical testing. Allele origin: germline.

NM_001369369.1(FOXN1):c.1933G>A (p.Val645Met)

Gene: FOXN1 (forkhead box N1; plus strand). Cytogenetic location: 17q11.2.
Variant type: single nucleotide variant.
Coding change: c.1933G>A on transcript NM_001369369.1 (MANE Select); coding-DNA position 1933, G replaced by A.
Protein change: p.Val645Met; replaces valine 645 with methionine.
Molecular consequence: missense variant.
Genome position (GRCh38, 1-based): chr17:28,537,422, G>A. VCF-style: chr17-28537422-G-A. GRCh37 (hg19) VCF-style: chr17-26864440-G-A.
Other names: c.1933G>A (NM_003593.2); c.1933G>A, p.Val645Met (NM_003593.3); short protein forms V645M.
Identifiers: ClinVar variation 1356106 (VCV001356106.7), dbSNP rs747825809, ClinGen allele CA8459663.
Genomic context (GRCh38, chr17:28,537,422, plus strand): 5'-CCCACGCCCCCCACGGCCCCTGCAGGCCCCTCTGTGTACCTCAGCCCCAGCTCCAAGCCC[G>A]TGGCCCTGGCATGAGCTGTGCCCAGCTTCGTCAGCTCCAGCGTTTGCCTGGTCTGGAAGT-3'
Protein context (NP_001356298.1, residues 635-648): SVYLSPSSKP[Val645Met]ALA